The following is an entry in ClinVar:

NM_004006.3(DMD):c.4232A>G (p.Gln1411Arg)

Gene: DMD (dystrophin; minus strand). Cytogenetic location: Xp21.1.
Variant type: single nucleotide variant.
Coding change: c.4232A>G on transcript NM_004006.3 (MANE Select); coding-DNA position 4232, A replaced by G.
Protein change: p.Gln1411Arg; replaces glutamine 1411 with arginine.
Molecular consequence: missense variant.
Genome position (GRCh38, 1-based): chrX:32,411,753, T>C on the plus strand (A>G on the coding strand, the complement: DMD is on the minus strand). VCF-style: chrX-32411753-T-C. GRCh37 (hg19) VCF-style: chrX-32429870-T-C.
Other names: c.4208A>G, p.Gln1403Arg (NM_000109.4); c.4220A>G, p.Gln1407Arg (NM_004009.3); c.3863A>G, p.Gln1288Arg (NM_004010.3); c.209A>G, p.Gln70Arg (NM_004011.4); c.200A>G, p.Gln67Arg (NM_004012.4); short protein forms Q1288R, Q1411R, Q67R, Q1407R, Q70R, Q1403R.
Identifiers: ClinVar variation 2194509 (VCV002194509.1), dbSNP rs1409739233, ClinGen allele CA412665949.

ClinVar aggregate classification (germline): Uncertain significance (1 of 4 stars; one submission).

Conditions:
Duchenne muscular dystrophy (DMD). Also called: MUSCULAR DYSTROPHY, PSEUDOHYPERTROPHIC PROGRESSIVE, DUCHENNE TYPE; Duchenne Muscular Dystrophy (DMD). Identifiers: Orphanet 98896, MedGen C0013264, MONDO:0010679, OMIM 310200.

Allele frequency attached by ClinVar (database versions not stated): TOPMed 0.00001; gnomAD 0.00002; gnomAD exomes 0.00002.
gnomAD v4.1: 24 of 1,209,248 alleles (0.002%); highest among the groups gnomAD compares: Non-Finnish European, 0.0026%; no homozygotes.

Submission:

Labcorp Genetics (formerly Invitae), Labcorp
Classification: Uncertain significance for Duchenne muscular dystrophy. Last evaluated: 2022-07-11. Review status: criteria provided, single submitter. Criteria: Invitae Variant Classification Sherloc (09022015). Collection method: clinical testing. Allele origin: germline.
Comment: This sequence change replaces glutamine, which is neutral and polar, with arginine, which is basic and polar, at codon 1411 of the DMD protein (p.Gln1411Arg). This variant is not present in population databases (gnomAD no frequency). This variant has not been reported in the literature in individuals affected with DMD-related conditions. Algorithms developed to predict the effect of missense changes on protein structure and function are either unavailable or do not agree on the potential impact of this missense change (SIFT: "Deleterious"; PolyPhen-2: "Benign"; Align-GVGD: "Class C35"). Algorithms developed to predict the effect of sequence changes on RNA splicing suggest that this variant may create or strengthen a splice site. In summary, the available evidence is currently insufficient to determine the role of this variant in disease. Therefore, it has been classified as a Variant of Uncertain Significance.